The following is an entry in ClinVar:

NM_014244.5(ADAMTS2):c.1264G>A (p.Gly422Ser)

Gene: ADAMTS2 (ADAM metallopeptidase with thrombospondin type 1 motif 2; minus strand). Cytogenetic location: 5q35.3.
Variant type: single nucleotide variant.
Coding change: c.1264G>A on transcript NM_014244.5 (MANE Select); coding-DNA position 1264, G replaced by A.
Protein change: p.Gly422Ser; replaces glycine 422 with serine.
Molecular consequence: missense variant.
Genome position (GRCh38, 1-based): chr5:179,154,167, C>T on the plus strand (G>A on the coding strand, the complement: ADAMTS2 is on the minus strand). VCF-style: chr5-179154167-C-T. GRCh37 (hg19) VCF-style: chr5-178581168-C-T.
Other names: c.1264G>A, p.Gly422Ser (NM_021599.4); short protein forms G422S.
Identifiers: ClinVar variation 655702 (VCV000655702.8), dbSNP rs200813745, ClinGen allele CA133050754.

ClinVar aggregate classification (germline): Uncertain significance. Review status: criteria provided, multiple submitters, no conflicts (2 of 4 stars). 4 submissions from 4 submitters: Uncertain significance (3). 1 of the submissions does not count toward it. Last evaluated 2025-10-06.

Conditions:
Ehlers-Danlos syndrome, dermatosparaxis type. Also called: EDS VIIC; Dermatosparaxis; Ehlers-Danlos syndrome, type VII, autosomal recessive. Identifiers: Orphanet 1901, MedGen C2700425, MONDO:0009161, OMIM 225410.

Allele frequency attached by ClinVar (database versions not stated): gnomAD 0.00001 and 0.00002; gnomAD exomes 0.00002 and 0.00003; TOPMed 0.00002; 1000 Genomes Project 30x 0.00016; 1000 Genomes Project 0.00020.
gnomAD v4.1: 48 of 1,566,370 alleles (0.0031%); highest among the groups gnomAD compares: Non-Finnish European, 0.0037%; no homozygotes.

Submissions (4):

Women's Health and Genetics/Laboratory Corporation of America, LabCorp
Classification: Uncertain significance. Last evaluated: 2025-10-06. Review status: criteria provided, single submitter. Criteria: LabCorp Variant Classification Summary - May 2015. Collection method: clinical testing. Allele origin: germline.
Comment: Variant summary: ADAMTS2 c.1264G>A (p.Gly422Ser) results in a non-conservative amino acid change in the encoded protein sequence. Algorithms developed to predict the effect of missense changes on protein structure and function all suggest that this variant is likely to be disruptive. The variant allele was found at a frequency of 1.7e-05 in 172290 control chromosomes. The available data on variant occurrences in the general population are insufficient to allow any conclusion about variant significance. To our knowledge, no occurrence of c.1264G>A in individuals affected with ADAMTS2-related conditions and no experimental evidence demonstrating its impact on protein function have been reported. ClinVar contains an entry for this variant (Variation ID: 655702). Based on the evidence outlined above, the variant was classified as uncertain significance.

Blueprint Genetics
Classification: Uncertain significance. Last evaluated: 2024-11-20. Review status: criteria provided, single submitter. Criteria: ACMG Guidelines, 2015. Collection method: clinical testing. Allele origin: germline.

Labcorp Genetics (formerly Invitae), Labcorp
Classification: Uncertain significance for Ehlers-Danlos syndrome, dermatosparaxis type. Last evaluated: 2021-09-02. Review status: criteria provided, single submitter. Criteria: Invitae Variant Classification Sherloc (09022015). Collection method: clinical testing. Allele origin: germline.
Comment: This sequence change replaces glycine with serine at codon 422 of the ADAMTS2 protein (p.Gly422Ser). The glycine residue is highly conserved and there is a small physicochemical difference between glycine and serine. This variant is not present in population databases (ExAC no frequency). This variant has not been reported in the literature in individuals affected with ADAMTS2-related conditions. Algorithms developed to predict the effect of missense changes on protein structure and function (SIFT, PolyPhen-2, Align-GVGD) all suggest that this variant is likely to be disruptive. In summary, the available evidence is currently insufficient to determine the role of this variant in disease. Therefore, it has been classified as a Variant of Uncertain Significance.

Natera, Inc.
Classification: Uncertain significance for Ehlers-Danlos syndrome type VIIC. Last evaluated: 2021-06-07. Review status: no assertion criteria provided. Collection method: clinical testing. Allele origin: germline. Not counted in ClinVar's aggregate classification.